The following is an entry in ClinVar:

ClinVar aggregate classification (germline): Pathogenic (1 of 4 stars; one submission).

Conditions:
Deficiency of galactokinase. Also called: GALACTOSEMIA II; Galactokinase deficiency with cataracts. Identifiers: Orphanet 352, Orphanet 79237, MedGen C0268155, MONDO:0009255, OMIM 230200.

gnomAD v4.1: 1 of 1,613,858 alleles (0.000062%); highest among the groups gnomAD compares: Non-Finnish European, 0.000085%; no homozygotes.

Submission:

Myriad Genetics, Inc.
Classification: Pathogenic for Deficiency of galactokinase. Last evaluated: 2025-06-04. Review status: criteria provided, single submitter. Criteria: Myriad Autosomal Dominant, Autosomal Recessive and X-Linked Classification Criteria (2023). Collection method: clinical testing. Allele origin: unknown.
Comment: NM_000154.1(GALK1):c.348C>G(Y116*) is expected to be pathogenic in the context of galactokinase deficiency. This variant is predicted to lead to an abnormal or absent protein product due to the creation of a premature termination codon in GALK1, a gene where loss-of-function variants are known to be pathogenic. Please note: this variant was assessed in the context of healthy population screening.

NM_000154.2(GALK1):c.348C>G (p.Tyr116Ter)

Gene: GALK1 (galactokinase 1; minus strand). Cytogenetic location: 17q25.1.
Variant type: single nucleotide variant.
Coding change: c.348C>G on transcript NM_000154.2 (MANE Select); coding-DNA position 348, C replaced by G.
Protein change: p.Tyr116Ter; replaces tyrosine 116 with a stop codon.
Molecular consequence: nonsense.
Genome position (GRCh38, 1-based): chr17:75,763,904, G>C on the plus strand (C>G on the coding strand, the complement: GALK1 is on the minus strand). VCF-style: chr17-75763904-G-C. GRCh37 (hg19) VCF-style: chr17-73759985-G-C.
Other names: c.348C>G, p.Tyr116Ter (NM_001381985.1); short protein forms Y116*.
Identifiers: ClinVar variation 5014556 (VCV005014556.1).
Genomic context (GRCh38, chr17:75,763,904, plus strand): 5'-GAGGTGGCACTCCTAGTATCAGTGAGGACTTGGCTCAGGCCTGGGCCCCATACCTGGGTA[G>C]TACTGAATCACTCCCTTGACATAGTTGGCCCACCGAGGAGTCCCAGGCTCCAGCGAGCGC-3'